The following is an entry in ClinVar:

NM_000036.3(AMPD1):c.1801-5T>G

Gene: AMPD1 (adenosine monophosphate deaminase 1; minus strand). Cytogenetic location: 1p13.2.
Variant type: single nucleotide variant.
Coding change: c.1801-5T>G on transcript NM_000036.3 (MANE Select); 5 bases into the intron before coding-DNA position 1801, T replaced by G.
Molecular consequence: intron variant.
Genome position (GRCh38, 1-based): chr1:114,674,087, A>C on the plus strand (T>G on the coding strand, the complement: AMPD1 is on the minus strand). VCF-style: chr1-114674087-A-C. GRCh37 (hg19) VCF-style: chr1-115216708-A-C.
Other names: c.1789-5T>G (NM_001172626.2).
Identifiers: ClinVar variation 3623974 (VCV003623974.2).
Genomic context (GRCh38, chr1:114,674,087, plus strand): 5'-GGTGACATGGCGATGGGAATTTGGGCTAAGAAAAACAAGTACTGTAGCACGGGACTCTGA[A>C]AAAGAAAAGTAAAAAAATATTTAAAGATGTTGAAAAAGGAATACAAACTAGAAACACTAC-3'

ClinVar aggregate classification (germline): Uncertain significance (1 of 4 stars; one submission).

Conditions:
Muscle AMP deaminase deficiency (MMDD). Also called: Myoadenylate deaminase deficiency, myopathy due to; Adenosine monophosphate deaminase 1 deficiency; AMP deaminase 1 deficiency; Adenosine Monophosphate Deaminase 1; ADENOSINE MONOPHOSPHATE DEAMINASE-1 DEFICIENCY, MYOPATHY DUE TO; AMPD1 DEFICIENCY. Identifiers: Orphanet 45, MedGen C3714933, MONDO:0014220, OMIM 615511.

gnomAD v4.1: 4 of 1,612,480 alleles (0.00025%); highest among the groups gnomAD compares: Admixed American, 0.005%; no homozygotes.

Submission:

Labcorp Genetics (formerly Invitae), Labcorp
Classification: Uncertain significance for Muscle AMP deaminase deficiency. Last evaluated: 2024-10-18. Review status: criteria provided, single submitter. Criteria: Invitae Variant Classification Sherloc (09022015). Collection method: clinical testing. Allele origin: germline.
Comment: This sequence change falls in intron 13 of the AMPD1 gene. It does not directly change the encoded amino acid sequence of the AMPD1 protein. This variant is present in population databases (no rsID available, gnomAD 0.003%). This variant has not been reported in the literature in individuals affected with AMPD1-related conditions. Algorithms developed to predict the effect of sequence changes on RNA splicing suggest that this variant may disrupt the consensus splice site. In summary, the available evidence is currently insufficient to determine the role of this variant in disease. Therefore, it has been classified as a Variant of Uncertain Significance.